The following is an entry in ClinVar:

ClinVar aggregate classification (germline): Uncertain significance (1 of 4 stars; one submission).

Conditions:
Pyogenic arthritis-pyoderma gangrenosum-acne syndrome (PAPA). Also called: PAPA SYNDROME; FAMILIAL RECURRENT ARTHRITIS. Identifiers: Orphanet 69126, MedGen C1858361, MONDO:0011462, OMIM 604416.

Allele frequency attached by ClinVar (database versions not stated): gnomAD exomes below 0.00001.
gnomAD v4.1: 2 of 1,571,582 alleles (0.00013%); highest among the groups gnomAD compares: South Asian, 0.0012%; no homozygotes.

Submission:

Labcorp Genetics (formerly Invitae), Labcorp
Classification: Uncertain significance for Pyogenic arthritis-pyoderma gangrenosum-acne syndrome. Last evaluated: 2022-10-22. Review status: criteria provided, single submitter. Criteria: Invitae Variant Classification Sherloc (09022015). Collection method: clinical testing. Allele origin: germline.
Comment: Algorithms developed to predict the effect of sequence changes on RNA splicing suggest that this variant may create or strengthen a splice site. In summary, the available evidence is currently insufficient to determine the role of this variant in disease. Therefore, it has been classified as a Variant of Uncertain Significance. This variant has not been reported in the literature in individuals affected with PSTPIP1-related conditions. This variant is present in population databases (no rsID available, gnomAD 0.001%). This sequence change falls in intron 13 of the PSTPIP1 gene. It does not directly change the encoded amino acid sequence of the PSTPIP1 protein.

NM_003978.5(PSTPIP1):c.985+12C>G

Gene: PSTPIP1 (proline-serine-threonine phosphatase interacting protein 1; plus strand). Cytogenetic location: 15q24.3.
Variant type: single nucleotide variant.
Coding change: c.985+12C>G on transcript NM_003978.5 (MANE Select); 12 bases into the intron after coding-DNA position 985, C replaced by G.
Molecular consequence: intron variant.
Genome position (GRCh38, 1-based): chr15:77,035,575, C>G. VCF-style: chr15-77035575-C-G. GRCh37 (hg19) VCF-style: chr15-77327916-C-G.
Other names: c.1180+12C>G (NM_001321137.1); c.958+12C>G (NM_001321136.2); c.928+12C>G (NM_001321135.2).
Identifiers: ClinVar variation 1923566 (VCV001923566.5), dbSNP rs1027074812, ClinGen allele CA273763750.
Genomic context (GRCh38, chr15:77,035,575, plus strand): 5'-GGACTGCTGCACGGAAGTCCCAAGACCACTTCGTTGGCAGCTTCTGCTGGTAAAGGGGGT[C>G]AGGAGGGGACCCCCAAACACACTGATCCTGGGGGGGAGGAGAGGTCTCCCACATGGCACA-3'